The following is an entry in ClinVar:

NM_173500.4(TTBK2):c.7G>C (p.Gly3Arg)

Gene: TTBK2 (tau tubulin kinase 2; minus strand). Cytogenetic location: 15q15.2.
Variant type: single nucleotide variant.
Coding change: c.7G>C on transcript NM_173500.4 (MANE Select); coding-DNA position 7, G replaced by C.
Protein change: p.Gly3Arg; replaces glycine 3 with arginine.
Molecular consequence: missense variant.
Genome position (GRCh38, 1-based): chr15:42,878,611, C>G on the plus strand (G>C on the coding strand, the complement: TTBK2 is on the minus strand). VCF-style: chr15-42878611-C-G. GRCh37 (hg19) VCF-style: chr15-43170809-C-G.
Other names: short protein forms G3R.
Identifiers: ClinVar variation 3628129 (VCV003628129.2).

ClinVar aggregate classification (germline): Uncertain significance (1 of 4 stars; one submission).

gnomAD v4.1: 151 of 1,613,834 alleles (0.0094%); highest among the groups gnomAD compares: Admixed American, 0.03%; no homozygotes.

Submission:

Labcorp Genetics (formerly Invitae), Labcorp
Classification: Uncertain significance. Last evaluated: 2024-10-27. Review status: criteria provided, single submitter. Criteria: Invitae Variant Classification Sherloc (09022015). Collection method: clinical testing. Allele origin: germline.
Comment: This sequence change replaces glycine, which is neutral and non-polar, with arginine, which is basic and polar, at codon 3 of the TTBK2 protein (p.Gly3Arg). The frequency data for this variant in the population databases is considered unreliable, as metrics indicate poor data quality at this position in the gnomAD database. This variant has not been reported in the literature in individuals affected with TTBK2-related conditions. Invitae Evidence Modeling of protein sequence and biophysical properties (such as structural, functional, and spatial information, amino acid conservation, physicochemical variation, residue mobility, and thermodynamic stability) indicates that this missense variant is expected to disrupt TTBK2 protein function with a positive predictive value of 80%. In summary, the available evidence is currently insufficient to determine the role of this variant in disease. Therefore, it has been classified as a Variant of Uncertain Significance.